The following is an entry in ClinVar:

ClinVar aggregate classification (germline): Uncertain significance. Review status: criteria provided, multiple submitters, no conflicts (2 of 4 stars). 3 submissions from 3 submitters: Uncertain significance (3). Last evaluated 2023-10-16.

Conditions:
RASopathy. Also called: rasopathies; Noonan spectrum disorder. Identifiers: Orphanet 536391, MedGen C5555857, MONDO:0021060.

Submissions (3):

GeneDx
Classification: Uncertain significance. Last evaluated: 2023-10-16. Review status: criteria provided, single submitter. Criteria: GeneDx Variant Classification Process June 2021. Collection method: clinical testing. Allele origin: germline. Affected: yes.
Comment: Not observed at significant frequency in large population cohorts (gnomAD); Missense variants in this gene are a common cause of disease and they are underrepresented in the general population; In silico analysis supports that this missense variant has a deleterious effect on protein structure/function; Has not been previously published as a pathogenic or benign germline variant to our knowledge; This variant is associated with the following publications: (PMID: 37446713, 33547198, 28007785, 17311103, 20544847, 33832948, 20443891)

Labcorp Genetics (formerly Invitae), Labcorp
Classification: Uncertain significance for RASopathy. Last evaluated: 2022-02-19. Review status: criteria provided, single submitter. Criteria: Invitae Variant Classification Sherloc (09022015). Collection method: clinical testing. Allele origin: germline.
Comment: In summary, the available evidence is currently insufficient to determine the role of this variant in disease. Therefore, it has been classified as a Variant of Uncertain Significance. Advanced modeling of protein sequence and biophysical properties (such as structural, functional, and spatial information, amino acid conservation, physicochemical variation, residue mobility, and thermodynamic stability) performed at Invitae indicates that this missense variant is expected to disrupt NRAS protein function. ClinVar contains an entry for this variant (Variation ID: 933172). This variant has not been reported in the literature in individuals affected with NRAS-related conditions. This variant is not present in population databases (gnomAD no frequency). This sequence change replaces arginine, which is basic and polar, with threonine, which is neutral and polar, at codon 68 of the NRAS protein (p.Arg68Thr).

Women's Health and Genetics/Laboratory Corporation of America, LabCorp
Classification: Uncertain significance. Last evaluated: 2020-06-15. Review status: criteria provided, single submitter. Criteria: LabCorp Variant Classification Summary - May 2015. Collection method: clinical testing. Allele origin: germline.
Comment: Variant summary: NRAS c.203G>C (p.Arg68Thr) results in a non-conservative amino acid change in the encoded protein sequence. Four of five in-silico tools predict a damaging effect of the variant on protein function. The variant was absent in 251420 control chromosomes. The available data on variant occurrences in the general population are insufficient to allow any conclusion about variant significance. To our knowledge, no occurrence of c.203G>C in individuals affected with Noonan Syndrome And Related Conditions and no experimental evidence demonstrating its impact on protein function have been reported. No clinical diagnostic laboratories have submitted clinical-significance assessments for this variant to ClinVar after 2014. Based on the evidence outlined above, the variant was classified as uncertain significance.

NM_002524.5(NRAS):c.203G>C (p.Arg68Thr)

Gene: NRAS (NRAS proto-oncogene, GTPase; minus strand). Cytogenetic location: 1p13.2.
Variant type: single nucleotide variant.
Coding change: c.203G>C on transcript NM_002524.5 (MANE Select); coding-DNA position 203, G replaced by C.
Protein change: p.Arg68Thr; replaces arginine 68 with threonine.
Molecular consequence: missense variant.
Genome position (GRCh38, 1-based): chr1:114,713,887, C>G on the plus strand (G>C on the coding strand, the complement: NRAS is on the minus strand). VCF-style: chr1-114713887-C-G. GRCh37 (hg19) VCF-style: chr1-115256508-C-G.
Other names: c.203G>C (NM_002524.3); short protein forms R68T.
Identifiers: ClinVar variation 933172 (VCV000933172.6), dbSNP rs1659097707, ClinGen allele CA341741583.